The following is an entry in ClinVar:

NM_001197104.2(KMT2A):c.82G>T (p.Gly28Trp)

Gene: KMT2A (lysine methyltransferase 2A; plus strand). Cytogenetic location: 11q23.3.
Variant type: single nucleotide variant.
Coding change: c.82G>T on transcript NM_001197104.2 (MANE Select); coding-DNA position 82, G replaced by T.
Protein change: p.Gly28Trp; replaces glycine 28 with tryptophan.
Molecular consequence: missense variant.
Genome position (GRCh38, 1-based): chr11:118,436,594, G>T. VCF-style: chr11-118436594-G-T. GRCh37 (hg19) VCF-style: chr11-118307309-G-T.
Other names: c.82G>T, p.Gly28Trp (NM_005933.4); c.82G>T (NM_001197104.1); short protein forms G28W.
Identifiers: ClinVar variation 1363232 (VCV001363232.6), dbSNP rs782113710, ClinGen allele CA6303192.

ClinVar aggregate classification (germline): Uncertain significance. Review status: criteria provided, multiple submitters, no conflicts (2 of 4 stars). 2 submissions from 2 submitters: Uncertain significance (2). Last evaluated 2025-12-05.

Allele frequency attached by ClinVar (database versions not stated): gnomAD 0.00001; TOPMed 0.00001; gnomAD exomes 0.00003.
gnomAD v4.1: 33 of 1,173,506 alleles (0.0028%); highest among the groups gnomAD compares: Non-Finnish European, 0.0035%; no homozygotes.

Submissions (2):

Labcorp Genetics (formerly Invitae), Labcorp
Classification: Uncertain significance. Last evaluated: 2025-12-05. Review status: criteria provided, single submitter. Criteria: Invitae Variant Classification Sherloc (09022015). Collection method: clinical testing. Allele origin: germline.
Comment: This sequence change replaces glycine, which is neutral and non-polar, with tryptophan, which is neutral and slightly polar, at codon 28 of the KMT2A protein (p.Gly28Trp). The frequency data for this variant in the population databases is considered unreliable, as metrics indicate insufficient coverage at this position in the gnomAD database. This variant has not been reported in the literature in individuals affected with KMT2A-related conditions. ClinVar contains an entry for this variant (Variation ID: 1363232). Invitae Evidence Modeling of protein sequence and biophysical properties (such as structural, functional, and spatial information, amino acid conservation, physicochemical variation, residue mobility, and thermodynamic stability) has been performed for this missense variant. However, the output from this modeling did not meet the statistical confidence thresholds required to predict the impact of this variant on KMT2A protein function. In summary, the available evidence is currently insufficient to determine the role of this variant in disease. Therefore, it has been classified as a Variant of Uncertain Significance.

Women's Health and Genetics/Laboratory Corporation of America, LabCorp
Classification: Uncertain significance. Last evaluated: 2023-09-27. Review status: criteria provided, single submitter. Criteria: LabCorp Variant Classification Summary - May 2015. Collection method: clinical testing. Allele origin: germline.
Comment: Variant summary: KMT2A c.82G>T (p.Gly28Trp) results in a non-conservative amino acid change in the encoded protein sequence. Three of five in-silico tools predict a damaging effect of the variant on protein function. The variant allele was found at a frequency of 1.3e-05 in 148682 control chromosomes (gnomAD v3.1.2). The available data on variant occurrences in the general population are insufficient to allow any conclusion about variant significance. To our knowledge, no occurrence of c.82G>T in individuals affected with Wiedemann-Steiner Syndrome and no experimental evidence demonstrating its impact on protein function have been reported. One ClinVar submitter has assessed the variant since 2014, and classified the variant as uncertain significance. Based on the evidence outlined above, the variant was classified as uncertain significance.